The following is an entry in ClinVar:

ClinVar aggregate classification (germline): Conflicting classifications of pathogenicity. Review status: criteria provided, conflicting classifications (1 of 4 stars). 2 submissions from 2 submitters: Uncertain significance (1); Likely benign (1). Last evaluated 2026-06-01.

Conditions:
Hereditary cancer-predisposing syndrome. Also called: Hereditary neoplastic syndrome; Tumor predisposition; Hereditary Cancer Syndrome; Neoplastic Syndromes, Hereditary. Identifiers: Orphanet 140162, MedGen C0027672, MeSH D009386, MONDO:0015356.
Hereditary diffuse gastric adenocarcinoma (HDGC). Also called: DIFFUSE GASTRIC AND LOBULAR BREAST CANCER SYNDROME. Identifiers: Orphanet 26106, MedGen C1708349, MONDO:0007648, OMIM 137215.

Submissions (2):

Ambry Genetics
Classification: Likely benign for Hereditary cancer-predisposing syndrome. Last evaluated: 2026-06-01. Review status: criteria provided, single submitter. Criteria: Ambry Variant Classification Scheme 2023. Collection method: clinical testing. Allele origin: germline.

Labcorp Genetics (formerly Invitae), Labcorp
Classification: Uncertain significance for Hereditary diffuse gastric adenocarcinoma. Last evaluated: 2024-10-02. Review status: criteria provided, single submitter. Criteria: Invitae Variant Classification Sherloc (09022015). Collection method: clinical testing. Allele origin: germline.
Comment: This sequence change replaces lysine, which is basic and polar, with glutamine, which is neutral and polar, at codon 697 of the CDH1 protein (p.Lys697Gln). This variant is not present in population databases (gnomAD no frequency). This variant has not been reported in the literature in individuals affected with CDH1-related conditions. An algorithm developed to predict the effect of missense changes on protein structure and function (PolyPhen-2) suggests that this variant is likely to be tolerated. In summary, the available evidence is currently insufficient to determine the role of this variant in disease. Therefore, it has been classified as a Variant of Uncertain Significance.

NM_004360.5(CDH1):c.2089A>C (p.Lys697Gln)

Gene: CDH1 (cadherin 1; plus strand). Cytogenetic location: 16q22.1.
Variant type: single nucleotide variant.
Coding change: c.2089A>C on transcript NM_004360.5 (MANE Select); coding-DNA position 2089, A replaced by C.
Protein change: p.Lys697Gln; replaces lysine 697 with glutamine.
Molecular consequence: missense variant.
Genome position (GRCh38, 1-based): chr16:68,823,551, A>C. VCF-style: chr16-68823551-A-C. GRCh37 (hg19) VCF-style: chr16-68857454-A-C.
Other names: c.1906A>C, p.Lys636Gln (NM_001317184.2); c.541A>C, p.Lys181Gln (NM_001317185.2); c.124A>C, p.Lys42Gln (NM_001317186.2); short protein forms K636Q, K42Q, K181Q, K697Q.
Identifiers: ClinVar variation 3488635 (VCV003488635.4).